The following is an entry in ClinVar:

NM_001963.6(EGF):c.3233T>G (p.Val1078Gly)

Gene: EGF (epidermal growth factor; plus strand). Cytogenetic location: 4q25.
Variant type: single nucleotide variant.
Coding change: c.3233T>G on transcript NM_001963.6 (MANE Select); coding-DNA position 3233, T replaced by G.
Protein change: p.Val1078Gly; replaces valine 1078 with glycine.
Molecular consequence: missense variant.
Genome position (GRCh38, 1-based): chr4:110,004,564, T>G. VCF-style: chr4-110004564-T-G. GRCh37 (hg19) VCF-style: chr4-110925720-T-G.
Other names: c.3110T>G, p.Val1037Gly (NM_001178130.3); c.3107T>G, p.Val1036Gly (NM_001178131.3); c.2864T>G, p.Val955Gly (NM_001357021.2); short protein forms V1036G, V1037G, V1078G, V955G.
Identifiers: ClinVar variation 2783032 (VCV002783032.3), dbSNP rs1486740362, ClinGen allele CA357874685.

ClinVar aggregate classification (germline): Uncertain significance (1 of 4 stars; one submission).

Allele frequency attached by ClinVar (database versions not stated): TOPMed below 0.00001.
gnomAD v4.1: 3 of 1,614,030 alleles (0.00019%); highest among the groups gnomAD compares: Admixed American, 0.005%; no homozygotes.

Submission:

Labcorp Genetics (formerly Invitae), Labcorp
Classification: Uncertain significance. Last evaluated: 2023-11-16. Review status: criteria provided, single submitter. Criteria: Invitae Variant Classification Sherloc (09022015). Collection method: clinical testing. Allele origin: germline.
Comment: This sequence change replaces valine, which is neutral and non-polar, with glycine, which is neutral and non-polar, at codon 1078 of the EGF protein (p.Val1078Gly). This variant is present in population databases (no rsID available, gnomAD 0.003%). This variant has not been reported in the literature in individuals affected with EGF-related conditions. Algorithms developed to predict the effect of missense changes on protein structure and function output the following: SIFT: "Not Available"; PolyPhen-2: "Benign"; Align-GVGD: "Not Available". The glycine amino acid residue is found in multiple mammalian species, which suggests that this missense change does not adversely affect protein function. In summary, the available evidence is currently insufficient to determine the role of this variant in disease. Therefore, it has been classified as a Variant of Uncertain Significance.